The following is an entry in ClinVar:

NM_000245.4(MET):c.1238G>C (p.Arg413Pro)

Gene: MET (MET proto-oncogene, receptor tyrosine kinase; plus strand). Cytogenetic location: 7q31.2.
Variant type: single nucleotide variant.
Coding change: c.1238G>C on transcript NM_000245.4 (MANE Select); coding-DNA position 1238, G replaced by C.
Protein change: p.Arg413Pro; replaces arginine 413 with proline.
Molecular consequence: missense variant. On other transcripts: 5 prime UTR variant (1).
Genome position (GRCh38, 1-based): chr7:116,731,705, G>C. VCF-style: chr7-116731705-G-C. GRCh37 (hg19) VCF-style: chr7-116371759-G-C.
Other names: c.1238G>C, p.Arg413Pro (NM_001127500.3, NM_001324401.3); c.-53G>C (NM_001324402.2); short protein forms R413P.
Identifiers: ClinVar variation 999003 (VCV000999003.8), dbSNP rs375391602, ClinGen allele CA368972745.

ClinVar aggregate classification (germline): Uncertain significance (1 of 4 stars; one submission).

Conditions:
Renal cell carcinoma. Identifiers: Orphanet 217071, MedGen C0007134, MeSH D002292, MONDO:0005086, HP:0005584.

Submission:

Labcorp Genetics (formerly Invitae), Labcorp
Classification: Uncertain significance for Renal cell carcinoma. Last evaluated: 2020-05-13. Review status: criteria provided, single submitter. Criteria: Invitae Variant Classification Sherloc (09022015). Collection method: clinical testing. Allele origin: germline.
Comment: In summary, the available evidence is currently insufficient to determine the role of this variant in disease. Therefore, it has been classified as a Variant of Uncertain Significance. Algorithms developed to predict the effect of missense changes on protein structure and function (SIFT, PolyPhen-2, Align-GVGD) all suggest that this variant is likely to be tolerated, but these predictions have not been confirmed by published functional studies and their clinical significance is uncertain. This variant has not been reported in the literature in individuals with MET-related conditions. This variant is not present in population databases (ExAC no frequency). This sequence change replaces arginine with proline at codon 413 of the MET protein (p.Arg413Pro). The arginine residue is weakly conserved and there is a moderate physicochemical difference between arginine and proline.